The following is an entry in ClinVar:

NR_023343.3(RNU4ATAC):n.78C>T

Genes: CLASP1 (cytoplasmic linker associated protein 1; minus strand), CLASP1-AS1 (CLASP1 antisense RNA 1; plus strand), RNU4ATAC (RNA, U4atac small nuclear; plus strand). Cytogenetic location: 2q14.2.
Variant type: single nucleotide variant.
Molecular consequence: non-coding transcript variant (on NR_023343.3). On other transcripts: intron variant (8).
Genome position: GRCh38 VCF-style: chr2-121530957-C-T. GRCh37 (hg19) VCF-style: chr2-122288533-C-T.
Other names: c.196-632G>A (NM_001142274.2, NM_015282.3, NM_001378003.1 and 5 more transcripts).
Identifiers: ClinVar variation 4691640 (VCV004691640.1).
Genomic context (GRCh38, chr2:121,530,957, plus strand): 5'-GGTTGCGCTACTGTCCAATGAGCGCATAGTGAGGGCAGTACTGCTAACGCCTGAACAACA[C>T]ACCCGCATCAACTAGAGCTTTTGCTTTATTTTGGTGCAATTTTTGGAAAAATGAAAACCT-3'

ClinVar aggregate classification (germline): Uncertain significance (1 of 4 stars; one submission).

gnomAD v4.1: 13 of 700,290 alleles (0.0019%); highest among the groups gnomAD compares: South Asian, 0.0074%; no homozygotes.

Submission:

Labcorp Genetics (formerly Invitae), Labcorp
Classification: Uncertain significance. Last evaluated: 2025-11-25. Review status: criteria provided, single submitter. Criteria: Invitae Variant Classification Sherloc (09022015). Collection method: clinical testing. Allele origin: germline.
Comment: This variant occurs in the RNU4ATAC gene, which encodes an RNA molecule that does not result in a protein product. This variant is present in population databases (no rsID available, gnomAD 0.01%). This variant has not been reported in the literature in individuals affected with RNU4ATAC-related conditions. In summary, the available evidence is currently insufficient to determine the role of this variant in disease. Therefore, it has been classified as a Variant of Uncertain Significance.